The following is an entry in ClinVar:

ClinVar aggregate classification (germline): Uncertain significance (1 of 4 stars; one submission).

Conditions:
Hereditary sensory and autonomic neuropathy type 6. Also called: HSAN VI; Neuropathy, hereditary sensory and autonomic, type VI. Identifiers: Orphanet 314381, MedGen C3539003, MONDO:0013839, OMIM 614653.
Epidermolysis bullosa simplex 3, localized or generalized intermediate, with BP230 deficiency (EBS3). Also called: Epidermolysis bullosa simplex due to BP230 deficiency; Epidermolysis bullosa simplex, autosomal recessive 2. Identifiers: Orphanet 412181, MedGen C3809470, MONDO:0014180, OMIM 615425.

Allele frequency attached by ClinVar (database versions not stated): gnomAD exomes below 0.00001.
gnomAD v4.1: 2 of 1,590,250 alleles (0.00013%); highest among the groups gnomAD compares: Admixed American, 0.0018%; no homozygotes.

Submission:

Labcorp Genetics (formerly Invitae), Labcorp
Classification: Uncertain significance for Epidermolysis bullosa simplex 3, localized or generalized intermediate, with BP230 deficiency; Hereditary sensory and autonomic neuropathy type 6. Last evaluated: 2024-05-13. Review status: criteria provided, single submitter. Criteria: Invitae Variant Classification Sherloc (09022015). Collection method: clinical testing. Allele origin: germline.
Comment: The DST gene has multiple clinically relevant transcripts. This variant occurs in alternate transcript NM_015548.5, and corresponds to NM_001723.5:c.*113977G>A in the primary transcript. This sequence change replaces glutamic acid, which is acidic and polar, with lysine, which is basic and polar, at codon 3951 of the DST protein (p.Glu3951Lys). This variant is not present in population databases (gnomAD no frequency). This variant has not been reported in the literature in individuals affected with DST-related conditions. Experimental studies and prediction algorithms are not available or were not evaluated, and the functional significance of this variant is currently unknown. In summary, the available evidence is currently insufficient to determine the role of this variant in disease. Therefore, it has been classified as a Variant of Uncertain Significance.

NM_001374736.1(DST):c.19720G>A (p.Glu6574Lys)

Gene: DST (dystonin; minus strand). Cytogenetic location: 6p12.1.
Variant type: single nucleotide variant.
Coding change: c.19720G>A on transcript NM_001374736.1 (MANE Select); coding-DNA position 19720, G replaced by A.
Protein change: p.Glu6574Lys; replaces glutamic acid 6574 with lysine.
Molecular consequence: missense variant.
Genome position (GRCh38, 1-based): chr6:56,501,540, C>T on the plus strand (G>A on the coding strand, the complement: DST is on the minus strand). VCF-style: chr6-56501540-C-T. GRCh37 (hg19) VCF-style: chr6-56366338-C-T.
Other names: c.13363G>A, p.Glu4455Lys (NM_001144769.5); c.12949G>A, p.Glu4317Lys (NM_001144770.2); c.19720G>A, p.Glu6574Lys (NM_001374722.1); c.18760G>A, p.Glu6254Lys (NM_001374729.1); c.12502G>A, p.Glu4168Lys (NM_001374730.1); c.19747G>A, p.Glu6583Lys (NM_001374734.1); c.12829G>A, p.Glu4277Lys (NM_001386100.1, NM_183380.4); c.11851G>A, p.Glu3951Lys (NM_015548.5); short protein forms E4168K, E4277K, E4455K, E6574K, E6254K, E3951K, E4317K, E6583K.
Identifiers: ClinVar variation 1957830 (VCV001957830.5), dbSNP rs762547303, ClinGen allele CA139193249.